The following is an entry in ClinVar:

ClinVar aggregate classification (germline): Pathogenic (1 of 4 stars; one submission).

Conditions:
Peutz-Jeghers syndrome (PJS). Also called: POLYPOSIS, HAMARTOMATOUS INTESTINAL; POLYPS-AND-SPOTS SYNDROME; Peutz-Jeghers polyposis; Periorificial lentiginosis syndrome. Identifiers: Orphanet 2869, MedGen C0031269, MeSH D010580, MONDO:0008280, OMIM 175200.

Submission:

Provincial Medical Genetics Program of British Columbia, University of British Columbia
Classification: Pathogenic for Peutz-Jeghers syndrome. Last evaluated: 2021-06-04. Review status: criteria provided, single submitter. Criteria: ACMG Guidelines, 2015. Collection method: clinical testing. Allele origin: germline. Inheritance: Autosomal dominant inheritance. Affected: yes. Observed: 1 heterozygote.
Comment: STK11 loss of function is an established mechanism for Peutz-Jeghers syndrome. Within one family NM_000455.5:c.735-6A>G segregates with mucocutaneous features of Peutz-Jeghers syndrome, was absent from large population studies, and is predicted to activate a cryptic splice acceptor by multiple algorithms. By RNAseq, this variant introduced a 5 base pair insertion NM_000455.4:c.734_734+1insTGAAG, which encodes Tyr246Glufs*43. In summary, this variant meets our criteria to be classified as pathogenic based upon segregation studies, absence from controls, and functional evidence.

NM_000455.5(STK11):c.735-6A>G

Gene: STK11 (serine/threonine kinase 11; plus strand). Cytogenetic location: 19p13.3.
Variant type: single nucleotide variant.
Coding change: c.735-6A>G on transcript NM_000455.5 (MANE Select); 6 bases into the intron before coding-DNA position 735, A replaced by G.
Molecular consequence: intron variant.
Genome position (GRCh38, 1-based): chr19:1,221,207, A>G. VCF-style: chr19-1221207-A-G. GRCh37 (hg19) VCF-style: chr19-1221206-A-G.
Identifiers: ClinVar variation 1342166 (VCV001342166.5), dbSNP rs2145426686, ClinGen allele CA2573054712.